The following is an entry in ClinVar:

ClinVar aggregate classification (germline): Uncertain significance (1 of 4 stars; one submission).

Conditions:
Developmental and epileptic encephalopathy, 14 (DEE14). Also called: Early infantile epileptic encephalopathy 14. Identifiers: Orphanet 293181, MedGen C3554195, MONDO:0013989, OMIM 614959.
Autosomal dominant nocturnal frontal lobe epilepsy 5. Also called: KCNT1-Related Epilepsy; CILIARY DYSKINESIA, PRIMARY, 28, WITH SITUS INVERSUS; Epilepsy, nocturnal frontal lobe, 5; CILIARY DYSKINESIA, PRIMARY, 28, WITHOUT SITUS INVERSUS. Identifiers: Orphanet 98784, MedGen C3554306, MONDO:0014002, OMIM 615005.

Allele frequency attached by ClinVar (database versions not stated): gnomAD 0.00001; gnomAD exomes 0.00001; TOPMed 0.00004.
gnomAD v4.1: 14 of 1,472,856 alleles (0.00095%); highest among the groups gnomAD compares: African/African-American, 0.0057%; no homozygotes.

Submission:

Labcorp Genetics (formerly Invitae), Labcorp
Classification: Uncertain significance for Autosomal dominant nocturnal frontal lobe epilepsy 5; Developmental and epileptic encephalopathy, 14. Last evaluated: 2023-10-25. Review status: criteria provided, single submitter. Criteria: Invitae Variant Classification Sherloc (09022015). Collection method: clinical testing. Allele origin: germline.
Comment: This sequence change falls in intron 19 of the KCNT1 gene. It does not directly change the encoded amino acid sequence of the KCNT1 protein. It affects a nucleotide within the consensus splice site. This variant is not present in population databases (gnomAD no frequency). This variant has not been reported in the literature in individuals affected with KCNT1-related conditions. ClinVar contains an entry for this variant (Variation ID: 1445520). Variants that disrupt the consensus splice site are a relatively common cause of aberrant splicing (PMID: 17576681, 9536098). Algorithms developed to predict the effect of sequence changes on RNA splicing suggest that this variant is not likely to affect RNA splicing. In summary, the available evidence is currently insufficient to determine the role of this variant in disease. Therefore, it has been classified as a Variant of Uncertain Significance.

Literature cited by the submitters: PubMed 17576681; PubMed 9536098.

NM_020822.3(KCNT1):c.2243+3G>A

Gene: KCNT1 (potassium sodium-activated channel subfamily T member 1; plus strand). Cytogenetic location: 9q34.3.
Variant type: single nucleotide variant.
Coding change: c.2243+3G>A on transcript NM_020822.3 (MANE Select); 3 bases into the intron after coding-DNA position 2243, G replaced by A.
Molecular consequence: intron variant.
Genome position (GRCh38, 1-based): chr9:135,772,952, G>A. VCF-style: chr9-135772952-G-A. GRCh37 (hg19) VCF-style: chr9-138664798-G-A.
Other names: c.2108+3G>A (NM_001272003.2).
Identifiers: ClinVar variation 1445520 (VCV001445520.6), dbSNP rs939389547, ClinGen allele CA201474817.